The following is an entry in ClinVar:

ClinVar aggregate classification (germline): Uncertain significance (1 of 4 stars; one submission).

gnomAD v4.1: 12 of 1,609,290 alleles (0.00075%); highest among the groups gnomAD compares: Non-Finnish European, 0.00093%; no homozygotes.

Submission:

Labcorp Genetics (formerly Invitae), Labcorp
Classification: Uncertain significance. Last evaluated: 2025-03-09. Review status: criteria provided, single submitter. Criteria: Invitae Variant Classification Sherloc (09022015). Collection method: clinical testing. Allele origin: germline.
Comment: This sequence change replaces alanine, which is neutral and non-polar, with valine, which is neutral and non-polar, at codon 190 of the RNF213 protein (p.Ala190Val). This variant is present in population databases (no rsID available, gnomAD 0.0009%). This variant has not been reported in the literature in individuals affected with RNF213-related conditions. Invitae Evidence Modeling of protein sequence and biophysical properties (such as structural, functional, and spatial information, amino acid conservation, physicochemical variation, residue mobility, and thermodynamic stability) indicates that this missense variant is not expected to disrupt RNF213 protein function with a negative predictive value of 95%. In summary, the available evidence is currently insufficient to determine the role of this variant in disease. Therefore, it has been classified as a Variant of Uncertain Significance.

NM_001256071.3(RNF213):c.569C>T (p.Ala190Val)

Gene: RNF213 (ring finger protein 213; plus strand). Cytogenetic location: 17q25.3.
Variant type: single nucleotide variant.
Coding change: c.569C>T on transcript NM_001256071.3 (MANE Select); coding-DNA position 569, C replaced by T.
Protein change: p.Ala190Val; replaces alanine 190 with valine.
Molecular consequence: missense variant.
Genome position (GRCh38, 1-based): chr17:80,288,122, C>T. VCF-style: chr17-80288122-C-T. GRCh37 (hg19) VCF-style: chr17-78261921-C-T.
Other names: c.716C>T, p.Ala239Val (NM_001410195.1, NM_020914.5); c.569C>T, p.Ala190Val (NM_020954.4); short protein forms A190V, A239V.
Identifiers: ClinVar variation 4781107 (VCV004781107.1).
Genomic context (GRCh38, chr17:80,288,122, plus strand): 5'-GCGACAGCCCCCTGCAGGCCCAGGCTTTGGGAGAGGCAGGAGTGGCCACAGGAAGTGAGG[C>T]TCAGAGCAGCCCGCAATTCCAGGACCACACGGAAGGGGAGGACCAGGACGCTTCCATCCC-3'
Protein context (NP_001243000.2, residues 180-200): GEAGVATGSE[Ala190Val]QSSPQFQDHT